The following is an entry in ClinVar:

ClinVar aggregate classification (germline): Pathogenic (1 of 4 stars; one submission).

Conditions:
Autosomal recessive spinocerebellar ataxia 20. Identifiers: Orphanet 397709, MedGen C5190595, MONDO:0014601, OMIM 616354.

Submission:

3billion
Classification: Pathogenic for Autosomal recessive spinocerebellar ataxia 20. Last evaluated: 2025-11-06. Review status: criteria provided, single submitter. Criteria: ACMG Guidelines, 2015. Collection method: clinical testing. Allele origin: germline. Affected: yes.
Comment: The variant is not observed in the gnomAD v4.1.0 dataset. Predicted Consequence/Location: Stop-gained (nonsense): predicted to result in a loss or disruption of normal protein function through nonsense-mediated decay (NMD) or protein truncation. Multiple pathogenic variants are reported downstream of the variant. Therefore, this variant is classified as Pathogenic according to the recommendation of ACMG/AMP guideline.

NM_153816.6(SNX14):c.1724_1725del (p.Phe574_Phe575insTer)

Gene: SNX14 (sorting nexin 14; minus strand). Cytogenetic location: 6q14.3.
Variant type: Deletion.
Coding change: c.1724_1725del on transcript NM_153816.6 (MANE Select); coding-DNA positions 1724 to 1725, 2 bases deleted (TT; older notation c.1724_1725delTT).
Protein change: p.Phe574_Phe575insTer.
Molecular consequence: nonsense. On other transcripts: non-coding transcript variant (6).
Genome position (GRCh38, 1-based): chr6:85,533,684-85,533,685, AA deleted on the plus strand (TT on the coding strand, the reverse complement: SNX14 is on the minus strand); deleting any 2 consecutive bases within chr6:85,533,684-85,533,689 gives the same sequence; the c. name uses the placement nearest the transcript's 3' end. VCF-style (leftmost placement, unchanged base first): chr6-85533683-CAA-C. GRCh37 (hg19) VCF-style: chr6-86243401-CAA-C.
Other names: c.1697_1698del, p.Phe565_Phe566insTer (NM_001297614.3, NM_001350541.2); c.1568_1569del, p.Phe522_Phe523insTer (NM_001304479.2); c.1787_1788del, p.Phe595_Phe596insTer (NM_001350532.2); c.1721_1722del, p.Phe573_Phe574insTer (NM_001350533.2, NM_001350535.2); c.1694_1695del, p.Phe564_Phe565insTer (NM_001350534.2); c.1592_1593del, p.Phe530_Phe531insTer (NM_001350536.2); c.1589_1590del, p.Phe529_Phe530insTer (NM_001350537.2); c.1580_1581del, p.Phe526_Phe527insTer (NM_001350538.2); and 9 more.
Identifiers: ClinVar variation 4855660 (VCV004855660.1).